The following is an entry in ClinVar:

ClinVar aggregate classification (germline): Pathogenic/Likely pathogenic. Review status: criteria provided, multiple submitters, no conflicts (2 of 4 stars). 4 submissions from 4 submitters: Pathogenic (1); Likely pathogenic (1). 2 of the submissions do not count toward it. Last evaluated 2025-06-09.

Conditions:
Very long chain acyl-CoA dehydrogenase deficiency (ACADVLD). Also called: VLCAD Deficiency; Very Long-Chain Acyl-Coenzyme A Dehydrogenase Deficiency. Identifiers: Orphanet 26793, MedGen C3887523, MONDO:0008723, OMIM 201475.

Allele frequency attached by ClinVar (database versions not stated): gnomAD exomes below 0.00001 and 0.00002.
gnomAD v4.1: 7 of 1,614,088 alleles (0.00043%); highest among the groups gnomAD compares: East Asian, 0.0067%; 1 homozygote.

Submissions (4):

Women's Health and Genetics/Laboratory Corporation of America, LabCorp
Classification: Pathogenic for Very long chain acyl-CoA dehydrogenase deficiency. Last evaluated: 2025-06-09. Review status: criteria provided, single submitter. Criteria: LabCorp Variant Classification Summary - May 2015. Collection method: clinical testing. Allele origin: germline.
Comment: Variant summary: ACADVL c.709T>C (p.Cys237Arg) results in a non-conservative amino acid change located in the Acyl-CoA oxidase/dehydrogenase, central domain (IPR006091) of the encoded protein sequence. Algorithms developed to predict the effect of missense changes on protein structure and function all suggest that this variant is likely to be disruptive. The variant allele was found at a frequency of 2e-05 in 251484 control chromosomes in the gnomAD database, including 1 homozygote. c.709T>C has been observed in at-least 3 homozygous individuals, from 2 different families, affected with Very Long Chain Acyl-CoA Dehydrogenase Deficiency (example: Diekman_2015, Morishima_2025). These data indicate that the variant is associated with disease. At least one publication reports experimental evidence evaluating an impact on protein function. Specifically, it was demonstrated that cultured fibroblasts from an individual homozygous for the variant was associated with ~1% or undetectable enzyme activity levels at varying temperatures and with a very low long-chain fatty acid -oxidation flux level (example: Diekman_2015). ClinVar contains an entry for this variant (Variation ID: 928887). Based on the evidence outlined above, the variant was classified as pathogenic.

Labcorp Genetics (formerly Invitae), Labcorp
Classification: Likely pathogenic for Very long chain acyl-CoA dehydrogenase deficiency. Last evaluated: 2025-04-23. Review status: criteria provided, single submitter. Criteria: Invitae Variant Classification Sherloc (09022015). Collection method: clinical testing. Allele origin: germline.
Comment: This sequence change replaces cysteine, which is neutral and slightly polar, with arginine, which is basic and polar, at codon 237 of the ACADVL protein (p.Cys237Arg). This variant is present in population databases (no rsID available, gnomAD 0.01%). This missense change has been observed in individual(s) with very long-chain acyl-CoA dehydrogenase deficiency (PMID: 18670371, 35400565). ClinVar contains an entry for this variant (Variation ID: 928887). Invitae Evidence Modeling of protein sequence and biophysical properties (such as structural, functional, and spatial information, amino acid conservation, physicochemical variation, residue mobility, and thermodynamic stability) has been performed for this missense variant. However, the output from this modeling did not meet the statistical confidence thresholds required to predict the impact of this variant on ACADVL protein function. In summary, the currently available evidence indicates that the variant is pathogenic, but additional data are needed to prove that conclusively. Therefore, this variant has been classified as Likely Pathogenic.

Natera, Inc.
Classification: Uncertain significance for Very long chain acyl-CoA dehydrogenase deficiency. Last evaluated: 2020-07-09. Review status: no assertion criteria provided. Collection method: clinical testing. Allele origin: germline. Not counted in ClinVar's aggregate classification.

GeneReviews
No classification provided. Condition: Very long chain acyl-CoA dehydrogenase deficiency. Review status: no classification provided. Collection method: literature only. Allele origin: germline. Not counted in ClinVar's aggregate classification.
Comment: Associated with cardiac disease

Literature cited by the submitters: PubMed 25834949 (cited by Women's Health and Genetics/Laboratory Corporation of America, LabCorp and GeneReviews); PubMed 40407516 (cited by Women's Health and Genetics/Laboratory Corporation of America, LabCorp); PubMed 18670371 (cited by Labcorp Genetics (formerly Invitae), Labcorp); PubMed 35400565 (cited by Labcorp Genetics (formerly Invitae), Labcorp); NCBI Bookshelf NBK6816 (cited by GeneReviews).

NM_000018.4(ACADVL):c.709T>C (p.Cys237Arg)

Gene: ACADVL (acyl-CoA dehydrogenase very long chain; plus strand). Cytogenetic location: 17p13.1.
Variant type: single nucleotide variant.
Coding change: c.709T>C on transcript NM_000018.4 (MANE Select); coding-DNA position 709, T replaced by C.
Protein change: p.Cys237Arg; replaces cysteine 237 with arginine.
Molecular consequence: missense variant.
Genome position (GRCh38, 1-based): chr17:7,222,038, T>C. VCF-style: chr17-7222038-T-C. GRCh37 (hg19) VCF-style: chr17-7125357-T-C.
Other names: c.643T>C, p.Cys215Arg (NM_001033859.3); c.778T>C, p.Cys260Arg (NM_001270447.2); c.481T>C, p.Cys161Arg (NM_001270448.2); short protein forms C161R, C215R, C237R, C260R.
Identifiers: ClinVar variation 928887 (VCV000928887.9), dbSNP rs1189763523, ClinGen allele CA397723509.